The following is an entry in ClinVar:

ClinVar aggregate classification (germline): Likely benign (0 of 4 stars; one submission).

Conditions:
FYCO1-related disorder. Also called: FYCO1-related condition.

Allele frequency attached by ClinVar (database versions not stated): TOPMed 0.00001.

Submission:

PreventionGenetics, part of Exact Sciences
Classification: Likely benign for FYCO1-related condition. Last evaluated: 2023-02-03. Review status: no assertion criteria provided. Collection method: clinical testing. Allele origin: germline.
Comment: This variant is classified as likely benign based on ACMG/AMP sequence variant interpretation guidelines (Richards et al. 2015 PMID: 25741868, with internal and published modifications).

NM_024513.4(FYCO1):c.2766G>A (p.Val922=)

Gene: FYCO1 (FYVE and coiled-coil domain autophagy adaptor 1; minus strand). Cytogenetic location: 3p21.31.
Variant type: single nucleotide variant.
Coding change: c.2766G>A on transcript NM_024513.4 (MANE Select); coding-DNA position 2766, G replaced by A.
Protein change: p.Val922=; no amino-acid change (valine 922 retained).
Molecular consequence: synonymous variant. On other transcripts: non-coding transcript variant (1).
Genome position (GRCh38, 1-based): chr3:45,966,568, C>T on the plus strand (G>A on the coding strand, the complement: FYCO1 is on the minus strand). VCF-style: chr3-45966568-C-T. GRCh37 (hg19) VCF-style: chr3-46008060-C-T.
Other names: c.2766G>A, p.Val922= (NM_001386421.1, NM_001386422.1, NM_001386423.1 and 4 more transcripts); c.2646G>A, p.Val882= (NM_001386426.1); c.2622G>A, p.Val874= (NM_001386427.1); c.2166G>A, p.Val722= (NM_001386430.1).
Identifiers: ClinVar variation 3030952 (VCV003030952.2), dbSNP rs988366864, ClinGen allele CA73682366.